The following is an entry in ClinVar:

NM_016180.5(SLC45A2):c.727dup (p.Thr243fs)

Gene: SLC45A2 (solute carrier family 45 member 2; minus strand). Cytogenetic location: 5p13.2.
Variant type: Duplication.
Coding change: c.727dup on transcript NM_016180.5 (MANE Select); coding-DNA position 727, one base duplicated (A; older notation c.727dupA).
Protein change: p.Thr243fs; shifts the reading frame from threonine 243.
Molecular consequence: frameshift variant. On other transcripts: intron variant (1).
Genome position (GRCh38, 1-based): chr5:33,963,852, T duplicated on the plus strand (A on the coding strand, the reverse complement: SLC45A2 is on the minus strand). VCF-style (leftmost placement, unchanged base first): chr5-33963851-G-GT. GRCh37 (hg19) VCF-style: chr5-33963956-G-GT.
Other names: c.727dup, p.Thr243fs (NM_001012509.4); c.563-9348dup (NM_001297417.4); short protein forms T243fs.
Identifiers: ClinVar variation 5006886 (VCV005006886.2).

ClinVar aggregate classification (germline): Likely pathogenic (1 of 4 stars; one submission).

Conditions:
SKIN/HAIR/EYE PIGMENTATION 5, BLACK/NONBLACK HAIR (SHEP5). Also called: SKIN/HAIR/EYE PIGMENTATION, VARIATION IN, 5; SKIN/HAIR/EYE PIGMENTATION 5, DARK/FAIR SKIN; SKIN/HAIR/EYE PIGMENTATION 5, DARK/LIGHT EYES. Identifiers: MedGen C2673584, OMIM 227240.
Oculocutaneous albinism type 4 (OCA4). Also called: Albinism, oculocutaneous, type IV. Identifiers: Orphanet 79435, MedGen C1847836, MONDO:0011683, OMIM 606574.

Submission:

Juno Genomics, Hangzhou Juno Genomics, Inc
Classification: Likely pathogenic for SKIN/HAIR/EYE PIGMENTATION 5, BLACK/NONBLACK HAIR; Oculocutaneous albinism type 4. Review status: criteria provided, single submitter. Criteria: ACMG Guidelines, 2015. Collection method: clinical testing. Allele origin: germline.
Comment: Null variant in a gene where loss of function (LOF) is a known mechanism of disease.;Absent from controls (or at extremely low frequency if recessive) in Genome Aggregation Database.